The following is an entry in ClinVar:

ClinVar aggregate classification (germline): Uncertain significance (1 of 4 stars; one submission).

Conditions:
Mucopolysaccharidosis, MPS-IV-A (MPS4A). Also called: MPS IVA; mucopolysaccharidosis type 4A; Morquio syndrome A, mild; MORQUIO SYNDROME A; GALACTOSAMINE-6-SULFATASE DEFICIENCY; GALNS DEFICIENCY. Identifiers: Orphanet 309297, Orphanet 582, MedGen C0086651, MONDO:0009659, OMIM 253000.

Submission:

Neuberg Centre For Genomic Medicine, NCGM
Classification: Uncertain significance for Mucopolysaccharidosis, MPS-IV-A. Review status: criteria provided, single submitter. Criteria: ACMG Guidelines, 2015. Collection method: clinical testing. Allele origin: germline. Inheritance: Autosomal recessive inheritance. Affected: yes.
Comment: The missense variant c.779A>T (p.Glu260Val) in GALNS gene has not been reported previously as a pathogenic variant nor as a benign variant, to our knowledge. The p.Glu260Val variant is novel (not in any individuals) in gnomAD Exomes and 1000 Genomes. This variant has not been reported to the ClinVar database. The amino acid Glu at position 260 is changed to a Val changing protein sequence and it might alter its composition and physico-chemical properties. The amino acid change p.Glu260Val in GALNS is predicted as conserved by GERP++ and PhyloP across 100 vertebrates. For these reasons, this variant has been classified as Uncertain Significance (VUS).

NM_000512.5(GALNS):c.779A>T (p.Glu260Val)

Gene: GALNS (galactosamine (N-acetyl)-6-sulfatase; minus strand). Cytogenetic location: 16q24.3.
Variant type: single nucleotide variant.
Coding change: c.779A>T on transcript NM_000512.5 (MANE Select); coding-DNA position 779, A replaced by T.
Protein change: p.Glu260Val; replaces glutamic acid 260 with valine.
Molecular consequence: missense variant.
Genome position (GRCh38, 1-based): chr16:88,835,332, T>A on the plus strand (A>T on the coding strand, the complement: GALNS is on the minus strand). VCF-style: chr16-88835332-T-A. GRCh37 (hg19) VCF-style: chr16-88901740-T-A.
Other names: c.224A>T, p.Glu75Val (NM_001323543.2); c.797A>T, p.Glu266Val (NM_001323544.2); short protein forms E266V, E260V, E75V.
Identifiers: ClinVar variation 2584940 (VCV002584940.1), dbSNP rs2543531654, ClinGen allele CA397078933.